The following is an entry in ClinVar:

NM_017837.4(PIGV):c.825T>C (p.Pro275=)

Gene: PIGV (phosphatidylinositol glycan anchor biosynthesis class V; plus strand). Cytogenetic location: 1p36.11.
Variant type: single nucleotide variant.
Coding change: c.825T>C on transcript NM_017837.4 (MANE Select); coding-DNA position 825, T replaced by C.
Protein change: p.Pro275=; no amino-acid change (proline 275 retained).
Molecular consequence: synonymous variant. On other transcripts: non-coding transcript variant (1), intron variant (1).
Genome position (GRCh38, 1-based): chr1:26,794,859, T>C. VCF-style: chr1-26794859-T-C. GRCh37 (hg19) VCF-style: chr1-27121350-T-C.
Other names: c.825T>C, p.Pro275= (NM_001202554.2, NM_001374478.1, NM_001374480.1 and 2 more transcripts); c.444T>C, p.Pro148= (NM_001374483.1); c.198T>C, p.Pro66= (NM_001374484.1, NM_001374485.1); c.79-2704T>C (NM_001374486.1).
Identifiers: ClinVar variation 4873414 (VCV004873414.2).
Genomic context (GRCh38, chr1:26,794,859, plus strand): 5'-TCAGTATTATGCCTACACCCAATTCTGTCTGCCAGGCTCAGCCCGCCCCATTCCTGAGCC[T>C]TTGGTACAGTTAGCTGTAGACAAGGGCTACCGGATTGCAGAGGGAAATGAACCGCCTTGG-3'
Protein context (NP_060307.2, residues 265-285): LPGSARPIPE[Pro275=]LVQLAVDKGY

ClinVar aggregate classification (germline): Likely benign (1 of 4 stars; one submission).

Submission:

CeGaT Center for Human Genetics Tuebingen
Classification: Likely benign. Last evaluated: 2026-05-01. Review status: criteria provided, single submitter. Criteria: CeGaT Center For Human Genetics Tuebingen Variant Classification Criteria Version 2. Collection method: clinical testing. Allele origin: germline. Affected: yes. Observed: 1 variant allele.
Comment: PIGV: PM2:Supporting, BP4, BP7